The following is an entry in ClinVar:

ClinVar aggregate classification (germline): Uncertain significance (1 of 4 stars; one submission).

Conditions:
Ehlers-Danlos syndrome, classic type, 1 (EDSCL1). Also called: EHLERS-DANLOS SYNDROME, GRAVIS TYPE; EHLERS-DANLOS SYNDROME, SEVERE CLASSIC TYPE; Ehlers-Danlos syndrome, type 1; Ehlers-Danlos Syndrome, Classic Type, COL5A1-Related; EDS I. Identifiers: MedGen C0268335, MONDO:0019567, OMIM 130000.

gnomAD v4.1: 1 of 1,614,084 alleles (0.000062%); highest among the groups gnomAD compares: Non-Finnish European, 0.000085%; no homozygotes.

Submission:

Labcorp Genetics (formerly Invitae), Labcorp
Classification: Uncertain significance for Ehlers-Danlos syndrome, classic type, 1. Last evaluated: 2025-12-27. Review status: criteria provided, single submitter. Criteria: Invitae Variant Classification Sherloc (09022015). Collection method: clinical testing. Allele origin: germline.
Comment: This sequence change replaces lysine, which is basic and polar, with arginine, which is basic and polar, at codon 905 of the COL5A1 protein (p.Lys905Arg). This variant is not present in population databases (gnomAD no frequency). This variant has not been reported in the literature in individuals affected with COL5A1-related conditions. Invitae Evidence Modeling of protein sequence and biophysical properties (such as structural, functional, and spatial information, amino acid conservation, physicochemical variation, residue mobility, and thermodynamic stability) has been performed for this missense variant. However, the output from this modeling did not meet the statistical confidence thresholds required to predict the impact of this variant on COL5A1 protein function. In summary, the available evidence is currently insufficient to determine the role of this variant in disease. Therefore, it has been classified as a Variant of Uncertain Significance.

NM_000093.5(COL5A1):c.2714A>G (p.Lys905Arg)

Gene: COL5A1 (collagen type V alpha 1 chain; plus strand). Cytogenetic location: 9q34.3.
Variant type: single nucleotide variant.
Coding change: c.2714A>G on transcript NM_000093.5 (MANE Select); coding-DNA position 2714, A replaced by G.
Protein change: p.Lys905Arg; replaces lysine 905 with arginine.
Molecular consequence: missense variant.
Genome position (GRCh38, 1-based): chr9:134,795,095, A>G. VCF-style: chr9-134795095-A-G. GRCh37 (hg19) VCF-style: chr9-137686941-A-G.
Other names: c.2714A>G, p.Lys905Arg (NM_001278074.1); short protein forms K905R.
Identifiers: ClinVar variation 4703167 (VCV004703167.1).